The following is an entry in ClinVar:

ClinVar aggregate classification (germline): Conflicting classifications of pathogenicity. Review status: criteria provided, conflicting classifications (1 of 4 stars). 5 submissions from 5 submitters: Uncertain significance (1); Benign (1); Likely benign (3). Last evaluated 2024-09-19.

Conditions:
Hereditary diffuse gastric adenocarcinoma (HDGC). Also called: DIFFUSE GASTRIC AND LOBULAR BREAST CANCER SYNDROME. Identifiers: Orphanet 26106, MedGen C1708349, MONDO:0007648, OMIM 137215.
Hereditary cancer-predisposing syndrome. Also called: Neoplastic Syndromes, Hereditary; Hereditary Cancer Syndrome; Tumor predisposition; Hereditary neoplastic syndrome. Identifiers: Orphanet 140162, MedGen C0027672, MeSH D009386, MONDO:0015356.

Submissions (5):

Myriad Genetics, Inc.
Classification: Benign for Hereditary diffuse gastric adenocarcinoma. Last evaluated: 2024-09-19. Review status: criteria provided, single submitter. Criteria: Myriad Autosomal Dominant, Autosomal Recessive and X-Linked Classification Criteria (2023). Collection method: clinical testing. Allele origin: unknown.
Comment: This variant is considered benign. This variant is a silent/synonymous amino acid change and it is not expected to impact splicing.

Labcorp Genetics (formerly Invitae), Labcorp
Classification: Likely benign for Hereditary diffuse gastric adenocarcinoma. Last evaluated: 2022-03-03. Review status: criteria provided, single submitter. Criteria: Invitae Variant Classification Sherloc (09022015). Collection method: clinical testing. Allele origin: germline.

Ambry Genetics
Classification: Likely benign for Hereditary cancer-predisposing syndrome. Last evaluated: 2021-03-16. Review status: criteria provided, single submitter. Criteria: Ambry Variant Classification Scheme 2023. Collection method: clinical testing. Allele origin: germline.

Women's Health and Genetics/Laboratory Corporation of America, LabCorp
Classification: Likely benign. Last evaluated: 2020-10-08. Review status: criteria provided, single submitter. Criteria: LabCorp Variant Classification Summary - May 2015. Collection method: clinical testing. Allele origin: germline.

Quest Diagnostics Nichols Institute San Juan Capistrano
Classification: Uncertain significance. Last evaluated: 2018-12-12. Review status: criteria provided, single submitter. Criteria: Quest Diagnostics criteria. Collection method: clinical testing. Allele origin: germline.

NM_004360.5(CDH1):c.1530C>T (p.Ala510=)

Gene: CDH1 (cadherin 1; plus strand). Cytogenetic location: 16q22.1.
Variant type: single nucleotide variant.
Coding change: c.1530C>T on transcript NM_004360.5 (MANE Select); coding-DNA position 1530, C replaced by T.
Protein change: p.Ala510=; no amino-acid change (alanine 510 retained).
Molecular consequence: synonymous variant. On other transcripts: 5 prime UTR variant (2).
Genome position (GRCh38, 1-based): chr16:68,815,724, C>T. VCF-style: chr16-68815724-C-T. GRCh37 (hg19) VCF-style: chr16-68849627-C-T.
Other names: c.1347C>T, p.Ala449= (NM_001317184.2); c.-19C>T (NM_001317185.2); c.-290C>T (NM_001317186.2).
Identifiers: ClinVar variation 801138 (VCV000801138.14), dbSNP rs1597898262, ClinGen allele CA496154124.
Genomic context (GRCh38, chr16:68,815,724, plus strand): 5'-AAAGAGAGTGGAAGTGTCCGAGGACTTTGGCGTGGGCCAGGAAATCACATCCTACACTGC[C>T]CAGGAGCCAGACACATTTATGGAACAGAAAATAACGTAAGTGTGAGGATTTTTCAACTGA-3'
Protein context (NP_004351.1, residues 500-520): GVGQEITSYT[Ala510=]QEPDTFMEQK